The following is an entry in ClinVar:

NM_001367624.2(ZNF469):c.1418G>A (p.Arg473Gln)

Gene: ZNF469 (zinc finger protein 469; plus strand). Cytogenetic location: 16q24.2.
Variant type: single nucleotide variant.
Coding change: c.1418G>A on transcript NM_001367624.2 (MANE Select); coding-DNA position 1418, G replaced by A.
Protein change: p.Arg473Gln; replaces arginine 473 with glutamine.
Molecular consequence: missense variant.
Genome position (GRCh38, 1-based): chr16:88,428,888, G>A. VCF-style: chr16-88428888-G-A. GRCh37 (hg19) VCF-style: chr16-88495296-G-A.
Other names: p.Arg473Gln; NM_001127464.1:c.1418G>A; short protein forms R473Q.
Identifiers: ClinVar variation 871978 (VCV000871978.45), dbSNP rs775578805, ClinGen allele CA286372697.

ClinVar aggregate classification (germline): Conflicting classifications of pathogenicity. Review status: criteria provided, conflicting classifications (1 of 4 stars). 4 submissions from 4 submitters: Uncertain significance (3); Likely benign (1). Last evaluated 2026-06-04.

Conditions:
Cardiovascular phenotype. Identifiers: MedGen CN230736.

Allele frequency attached by ClinVar (database versions not stated): gnomAD 0.00003; gnomAD exomes 0.00003; TOPMed 0.00003.
gnomAD v4.1: 41 of 1,547,612 alleles (0.0026%); highest among the groups gnomAD compares: Admixed American, 0.0059%; no homozygotes.

Submissions (4):

Ambry Genetics
Classification: Likely benign for Cardiovascular phenotype. Last evaluated: 2026-06-04. Review status: criteria provided, single submitter. Criteria: Ambry Variant Classification Scheme 2023. Collection method: clinical testing. Allele origin: germline.

Labcorp Genetics (formerly Invitae), Labcorp
Classification: Uncertain significance. Last evaluated: 2024-12-04. Review status: criteria provided, single submitter. Criteria: Invitae Variant Classification Sherloc (09022015). Collection method: clinical testing. Allele origin: germline.
Comment: This sequence change replaces arginine, which is basic and polar, with glutamine, which is neutral and polar, at codon 473 of the ZNF469 protein (p.Arg473Gln). This variant is present in population databases (rs775578805, gnomAD 0.007%). This variant has not been reported in the literature in individuals affected with ZNF469-related conditions. ClinVar contains an entry for this variant (Variation ID: 871978). An algorithm developed to predict the effect of missense changes on protein structure and function outputs the following: PolyPhen-2: "Benign". The glutamine amino acid residue is found in multiple mammalian species, which suggests that this missense change does not adversely affect protein function. In summary, the available evidence is currently insufficient to determine the role of this variant in disease. Therefore, it has been classified as a Variant of Uncertain Significance.

Mayo Clinic Laboratories, Mayo Clinic
Classification: Uncertain significance. Last evaluated: 2023-09-13. Review status: criteria provided, single submitter. Criteria: ACMG Guidelines, 2015. Collection method: clinical testing. Allele origin: germline. Observed: 1 variant allele.
Comment: BP4_strong

CeGaT Center for Human Genetics Tuebingen
Classification: Uncertain significance. Last evaluated: 2019-08-01. Review status: criteria provided, single submitter. Criteria: CeGaT Center For Human Genetics Tuebingen Variant Classification Criteria Version 2. Collection method: clinical testing. Allele origin: germline. Affected: yes. Observed: 1 variant allele.